The following is an entry in ClinVar:

ClinVar aggregate classification (germline): Uncertain significance (1 of 4 stars; one submission).

Conditions:
Anemia, nonspherocytic hemolytic, due to G6PD deficiency (CNSHA1). Also called: Class I glucose-6-phosphate dehydrogenase deficiency; Favism, susceptibility to; Hemolytic anemia due to G6PD deficiency; ANEMIA, CONGENITAL, NONSPHEROCYTIC HEMOLYTIC, 1. Identifiers: Orphanet 466026, MedGen C2720289, MONDO:0010480, OMIM 300908.

Allele frequency attached by ClinVar (database versions not stated): ExAC 0.00001; gnomAD 0.00001; gnomAD exomes 0.00001.
gnomAD v4.1: 14 of 1,210,741 alleles (0.0012%); highest among the groups gnomAD compares: Non-Finnish European, 0.0016%; no homozygotes.

Submission:

Labcorp Genetics (formerly Invitae), Labcorp
Classification: Uncertain significance for Anemia, nonspherocytic hemolytic, due to G6PD deficiency. Last evaluated: 2022-06-03. Review status: criteria provided, single submitter. Criteria: Invitae Variant Classification Sherloc (09022015). Collection method: clinical testing. Allele origin: germline.
Comment: This sequence change replaces serine, which is neutral and polar, with phenylalanine, which is neutral and non-polar, at codon 106 of the G6PD protein (p.Ser106Phe). This variant is present in population databases (rs267606835, gnomAD 0.003%). This variant has not been reported in the literature in individuals affected with G6PD-related conditions. Advanced modeling of protein sequence and biophysical properties (such as structural, functional, and spatial information, amino acid conservation, physicochemical variation, residue mobility, and thermodynamic stability) performed at Invitae indicates that this missense variant is expected to disrupt G6PD protein function. In summary, the available evidence is currently insufficient to determine the role of this variant in disease. Therefore, it has been classified as a Variant of Uncertain Significance.

NM_001360016.2(G6PD):c.317C>T (p.Ser106Phe)

Gene: G6PD (glucose-6-phosphate dehydrogenase; minus strand). Cytogenetic location: Xq28.
Variant type: single nucleotide variant.
Coding change: c.317C>T on transcript NM_001360016.2 (MANE Select); coding-DNA position 317, C replaced by T.
Protein change: p.Ser106Phe; replaces serine 106 with phenylalanine.
Molecular consequence: missense variant.
Genome position (GRCh38, 1-based): chrX:154,535,336, G>A on the plus strand (C>T on the coding strand, the complement: G6PD is on the minus strand). VCF-style: chrX-154535336-G-A. GRCh37 (hg19) VCF-style: chrX-153763551-G-A.
Other names: c.407C>T, p.Ser136Phe (NM_000402.4); c.317C>T, p.Ser106Phe (NM_001042351.3); short protein forms S136F, S106F.
Identifiers: ClinVar variation 2165896 (VCV002165896.1), dbSNP rs267606835, ClinGen allele CA10566265.
Genomic context (GRCh38, chrX:154,535,336, plus strand): 5'-TTCATGTGGCTGTTGAGGCGCTGGTAGGAGGCTGCATCATCGTACTGGCCAGCCACATAG[G>A]AGTTGCGGGCAAAGAAGTCCTCCAGCTTGAGCTTCTCCTCTGGGGTGGCCTGGGAGACAC-3'
Protein context (NP_001346945.1, residues 96-116): LKLEDFFARN[Ser106Phe]YVAGQYDDAA